The following is an entry in ClinVar:

NM_001048174.2(MUTYH):c.1492C>A (p.Gln498Lys)

Gene: MUTYH (mutY DNA glycosylase; minus strand). Cytogenetic location: 1p34.1.
Variant type: single nucleotide variant.
Coding change: c.1492C>A on transcript NM_001048174.2 (MANE Select); coding-DNA position 1492, C replaced by A.
Protein change: p.Gln498Lys; replaces glutamine 498 with lysine.
Molecular consequence: missense variant. On other transcripts: non-coding transcript variant (2).
Genome position (GRCh38, 1-based): chr1:45,329,380, G>T on the plus strand (C>A on the coding strand, the complement: MUTYH is on the minus strand). VCF-style: chr1-45329380-G-T. GRCh37 (hg19) VCF-style: chr1-45795052-G-T.
Other names: c.1492C>A, p.Gln498Lys (NM_001048171.2, NM_001048173.2, NM_001407081.1 and 6 more transcripts); c.1495C>A, p.Gln499Lys (NM_001048172.2, NM_001407078.1, NM_001407086.1 and 1 more transcripts); c.1576C>A, p.Gln526Lys (NM_001128425.2); c.1537C>A, p.Gln513Lys (NM_001293190.2); c.1525C>A, p.Gln509Lys (NM_001293191.2, NM_001407077.1, NM_001407069.1); c.1216C>A, p.Gln406Lys (NM_001293192.2, NM_001407091.1, NM_001293196.2); c.1453C>A, p.Gln485Lys (NM_001407079.1); c.1450C>A, p.Gln484Lys (NM_001407080.1); and 5 more; short protein forms Q484K, Q499K, Q485K, Q498K, Q505K, Q526K, Q406K, Q509K.
Identifiers: ClinVar variation 1775594 (VCV001775594.6), dbSNP rs2523741447, ClinGen allele CA340131730.
Genomic context (GRCh38, chr1:45,329,380, plus strand): 5'-TGTTGAGGCTGTGTGCATCAGTGGAGATGTGAGACCGAAAGAAATTATCCAGGACTTGCT[G>T]GCCCATGCGGGGCTTTTTCCGACTGCACGGAGAGGACACCTGGGACCTTTTGGAACCCTG-3'
Protein context (NP_001041639.1, residues 488-508): PCSRKKPRMG[Gln498Lys]QVLDNFFRSH

ClinVar aggregate classification (germline): Conflicting classifications of pathogenicity. Review status: criteria provided, conflicting classifications (1 of 4 stars). 2 submissions from 2 submitters: Uncertain significance (1); Benign (1). Last evaluated 2025-09-09.

Conditions:
Hereditary cancer-predisposing syndrome. Also called: Tumor predisposition; Neoplastic Syndromes, Hereditary; Hereditary Cancer Syndrome; Hereditary neoplastic syndrome. Identifiers: Orphanet 140162, MedGen C0027672, MeSH D009386, MONDO:0015356.
Familial adenomatous polyposis 2. Also called: MYH-associated polyposis; Adenomas, multiple colorectal; COLORECTAL ADENOMATOUS POLYPOSIS, AUTOSOMAL RECESSIVE; ADENOMAS, MULTIPLE COLORECTAL, AUTOSOMAL RECESSIVE; MUTYH Polyposis; FAP type 2. Identifiers: Orphanet 220460, Orphanet 247798, MedGen C3272841, MONDO:0012041, OMIM 608456.

Submissions (2):

Ambry Genetics
Classification: Benign for Hereditary cancer-predisposing syndrome. Last evaluated: 2025-09-09. Review status: criteria provided, single submitter. Criteria: Ambry Variant Classification Scheme 2023. Collection method: clinical testing. Allele origin: germline.

Labcorp Genetics (formerly Invitae), Labcorp
Classification: Uncertain significance for Familial adenomatous polyposis 2. Last evaluated: 2023-05-30. Review status: criteria provided, single submitter. Criteria: Invitae Variant Classification Sherloc (09022015). Collection method: clinical testing. Allele origin: germline.
Comment: In summary, the available evidence is currently insufficient to determine the role of this variant in disease. Therefore, it has been classified as a Variant of Uncertain Significance. An algorithm developed to predict the effect of missense changes on protein structure and function (PolyPhen-2) suggests that this variant is likely to be disruptive. ClinVar contains an entry for this variant (Variation ID: 1775594). This variant has not been reported in the literature in individuals affected with MUTYH-related conditions. This variant is not present in population databases (gnomAD no frequency). This sequence change replaces glutamine, which is neutral and polar, with lysine, which is basic and polar, at codon 526 of the MUTYH protein (p.Gln526Lys).